The following is an entry in ClinVar:

NM_012062.5(DNM1L):c.2181T>C (p.Ile727=)

Gene: DNM1L (dynamin 1 like; plus strand). Cytogenetic location: 12p11.21.
Variant type: single nucleotide variant.
Coding change: c.2181T>C on transcript NM_012062.5 (MANE Select); coding-DNA position 2181, T replaced by C.
Protein change: p.Ile727=; no amino-acid change (isoleucine 727 retained).
Molecular consequence: synonymous variant.
Genome position (GRCh38, 1-based): chr12:32,743,380, T>C. VCF-style: chr12-32743380-T-C. GRCh37 (hg19) VCF-style: chr12-32896314-T-C.
Other names: c.2181T>C (NM_012062.4); c.2148T>C, p.Ile716= (NM_001278463.2); c.2220T>C, p.Ile740= (NM_001278464.2); c.2187T>C, p.Ile729= (NM_001278465.2); c.1572T>C, p.Ile524= (NM_001278466.2); c.2109T>C, p.Ile703= (NM_001330380.2); c.2070T>C, p.Ile690= (NM_005690.5); c.2103T>C, p.Ile701= (NM_012063.4).
Identifiers: ClinVar variation 1584811 (VCV001584811.9), dbSNP rs372789378, ClinGen allele CA6507804.
Genomic context (GRCh38, chr12:32,743,380, plus strand): 5'-ATAAGCATTTAAAATTTTTTTTCCTTTAATGCAGGCATTACAAGGAGCCAGTCAAATTAT[T>C]GCTGAAATCCGGGAGACTCATCTTTGGTGAAGAGAACTATGTAATACTGAGACTTTGTTG-3'
Protein context (NP_036192.2, residues 717-736): LKALQGASQI[Ile727=]AEIRETHLW

ClinVar aggregate classification (germline): Likely benign. Review status: criteria provided, single submitter (1 of 4 stars). 2 submissions from 2 submitters: Likely benign (1). 1 of the submissions does not count toward it. Last evaluated 2024-06-17.

Conditions:
DNM1L-related disorder. Also called: DNM1L-related condition.

Allele frequency attached by ClinVar (database versions not stated): gnomAD exomes 0.00001; ExAC 0.00002; TOPMed 0.00002; gnomAD 0.00003 and 0.00004; ESP Exome Variant Server 0.00008.
gnomAD v4.1: 26 of 1,613,894 alleles (0.0016%); highest among the groups gnomAD compares: Non-Finnish European, 0.002%; no homozygotes.

Submissions (2):

Labcorp Genetics (formerly Invitae), Labcorp
Classification: Likely benign. Last evaluated: 2024-06-17. Review status: criteria provided, single submitter. Criteria: Invitae Variant Classification Sherloc (09022015). Collection method: clinical testing. Allele origin: germline.

PreventionGenetics, part of Exact Sciences
Classification: Likely benign for DNM1L-related condition. Last evaluated: 2019-09-04. Review status: no assertion criteria provided. Collection method: clinical testing. Allele origin: germline. Not counted in ClinVar's aggregate classification.
Comment: This variant is classified as likely benign based on ACMG/AMP sequence variant interpretation guidelines (Richards et al. 2015 PMID: 25741868, with internal and published modifications).